The following is an entry in ClinVar:

ClinVar aggregate classification (germline): Uncertain significance. Review status: criteria provided, single submitter (1 of 4 stars). 2 submissions from 2 submitters: Uncertain significance (1). 1 of the submissions does not count toward it. Last evaluated 2025-08-13.

Conditions:
KIF17-related disorder. Also called: KIF17-related condition.

Allele frequency attached by ClinVar (database versions not stated): 1000 Genomes Project 0.00060; 1000 Genomes Project 30x 0.00078; ExAC 0.00106; gnomAD 0.00139; ESP Exome Variant Server 0.00170; TOPMed 0.00201.
gnomAD v4.1: 607 of 1,568,010 alleles (0.039%); highest among the groups gnomAD compares: African/African-American, 0.45%; 2 homozygotes.

Submissions (2):

Ambry Genetics
Classification: Uncertain significance. Last evaluated: 2025-08-13. Review status: criteria provided, single submitter. Criteria: Ambry Variant Classification Scheme 2023. Collection method: clinical testing. Allele origin: germline.

PreventionGenetics, part of Exact Sciences
Classification: Likely benign for KIF17-related condition. Last evaluated: 2022-07-20. Review status: no assertion criteria provided. Collection method: clinical testing. Allele origin: germline. Not counted in ClinVar's aggregate classification.
Comment: This variant is classified as likely benign based on ACMG/AMP sequence variant interpretation guidelines (Richards et al. 2015 PMID: 25741868, with internal and published modifications).

NM_001122819.3(KIF17):c.1963G>A (p.Glu655Lys)

Gene: KIF17 (kinesin family member 17; minus strand). Cytogenetic location: 1p36.12.
Variant type: single nucleotide variant.
Coding change: c.1963G>A on transcript NM_001122819.3 (MANE Select); coding-DNA position 1963, G replaced by A.
Protein change: p.Glu655Lys; replaces glutamic acid 655 with lysine.
Molecular consequence: missense variant.
Genome position (GRCh38, 1-based): chr1:20,686,102, C>T on the plus strand (G>A on the coding strand, the complement: KIF17 is on the minus strand). VCF-style: chr1-20686102-C-T. GRCh37 (hg19) VCF-style: chr1-21012595-C-T.
Other names: c.1963G>A (NM_020816.2); c.1663G>A, p.Glu555Lys (NM_001287212.2); c.1963G>A, p.Glu655Lys (NM_020816.4); short protein forms E555K, E655K.
Identifiers: ClinVar variation 3037663 (VCV003037663.3), dbSNP rs137916833, ClinGen allele CA661824.